The following is an entry in ClinVar:

ClinVar aggregate classification (germline): Conflicting classifications of pathogenicity. Review status: criteria provided, conflicting classifications (1 of 4 stars). 2 submissions from 2 submitters: Uncertain significance (1); Likely benign (1). Last evaluated 2024-03-18.

Conditions:
Adams-Oliver syndrome 5 (AOS5). Identifiers: Orphanet 974, MedGen C4014970, MONDO:0014459, OMIM 616028.

Allele frequency attached by ClinVar (database versions not stated): gnomAD 0.00003.
gnomAD v4.1: 9 of 1,606,940 alleles (0.00056%); highest among the groups gnomAD compares: African/African-American, 0.008%; no homozygotes.

Submissions (2):

ARUP Laboratories, Molecular Genetics and Genomics, ARUP Laboratories
Classification: Uncertain significance. Last evaluated: 2024-03-18. Review status: criteria provided, single submitter. Criteria: ARUP Molecular Germline Variant Investigation Process 2024. Collection method: clinical testing. Allele origin: germline.
Comment: The NOTCH1 c.4587-5C>G variant (rs780617240), to our knowledge, is not reported in the medical literature but is reported in ClinVar (Variation ID: 2056403). This variant is absent from the Genome Aggregation Database (v2.1.1), indicating it is not a common polymorphism. This is an intronic variant in a weakly conserved nucleotide, but computational analyses (Alamut v.2.11) predict that this variant may impact splicing by weakening the nearby canonical acceptor splice site. However, given the lack of clinical and functional data, the significance of this variant is uncertain at this time.

Labcorp Genetics (formerly Invitae), Labcorp
Classification: Likely benign for Adams-Oliver syndrome 5. Last evaluated: 2022-11-28. Review status: criteria provided, single submitter. Criteria: Invitae Variant Classification Sherloc (09022015). Collection method: clinical testing. Allele origin: germline.

NM_017617.5(NOTCH1):c.4587-5C>G

Gene: NOTCH1 (notch receptor 1; minus strand). Cytogenetic location: 9q34.3.
Variant type: single nucleotide variant.
Coding change: c.4587-5C>G on transcript NM_017617.5 (MANE Select); 5 bases into the intron before coding-DNA position 4587, C replaced by G.
Molecular consequence: intron variant.
Genome position (GRCh38, 1-based): chr9:136,505,109, G>C on the plus strand (C>G on the coding strand, the complement: NOTCH1 is on the minus strand). VCF-style: chr9-136505109-G-C. GRCh37 (hg19) VCF-style: chr9-139399561-G-C.
Identifiers: ClinVar variation 2056403 (VCV002056403.5), dbSNP rs780617240, ClinGen allele CA201644147.